The following is an entry in ClinVar:

ClinVar aggregate classification (germline): Pathogenic (3 of 4 stars; one submission).

Conditions:
Glanzmann thrombasthenia. Also called: BLEEDING DISORDER, PLATELET-TYPE, 2; THROMBASTHENIA OF GLANZMANN AND NAEGELI; Thrombasthenia; PLATELET GLYCOPROTEIN IIb-IIIa DEFICIENCY; Glanzmann's thrombasthenia. Identifiers: Orphanet 849, MedGen C0040015, MONDO:0100326.

Submission:

ClinGen Platelet Disorders Variant Curation Expert Panel, ClinGen
Classification: Pathogenic for Glanzmann thrombasthenia. Last evaluated: 2023-01-17. Review status: reviewed by expert panel. Criteria: ClinGen Platelet ACMG Specifications v2-1. Collection method: curation. Allele origin: germline. Inheritance: Autosomal recessive inheritance.
Comment: The NM_000419.5(ITGA2B):c.2415_2416del (p.Asp805GlufsTer11) frameshift variant in exon 24 is predicted to result in a premature stop codon in biologically-relevant-exon 25 of 30 and is predicted to lead to nonsense mediated decay in a gene in which loss-of-function is an established disease mechanism (PVS1). At least one patient (Patient 10 in PMID:19172520/GT database record 167) with this variant displayed mucocutaneous bleeding and impaired aggregation with all agonists except ristocetin, which is highly specific for Glanzmann thrombasthenia (PP4_moderate). Additionally, αIIbβ3 surface expression was reduced to <10%, as measured by flow cytometry. Patient 10 (PMID: 19172520/GT database record 167) is homozygous for this variant (0.5pt; PM3_Supporting). This variant is absent from gnomAD v2.1.1 (PM2_Supporting). In summary, this variant meets the criteria to be classified as Pathogenic for autosomal recessive Glanzmann Thrombasthenia based on the ACMG/AMP criteria applied, as specified by the ClinGen PD VCEP: PVS1, PP4_Moderate, PM2_Supporting, PM3_Supporting (VCEP specifications version 2.1).

NM_000419.5(ITGA2B):c.2415_2416del (p.Asp805fs)

Gene: ITGA2B (integrin subunit alpha 2b; minus strand). Cytogenetic location: 17q21.31.
Variant type: Deletion.
Coding change: c.2415_2416del on transcript NM_000419.5 (MANE Select); coding-DNA positions 2415 to 2416, 2 bases deleted (CA; older notation c.2415_2416delCA).
Protein change: p.Asp805fs; shifts the reading frame from aspartic acid 805.
Molecular consequence: frameshift variant.
Genome position (GRCh38, 1-based): chr17:44,376,117-44,376,118, TG deleted on the plus strand (CA on the coding strand, the reverse complement: ITGA2B is on the minus strand); deleting any 2 consecutive bases within chr17:44,376,117-44,376,119 gives the same sequence; the c. name uses the placement nearest the transcript's 3' end. VCF-style (leftmost placement, unchanged base first): chr17-44376116-CTG-C. GRCh37 (hg19) VCF-style: chr17-42453484-CTG-C.
Other names: NM_000419.5:c.2415_2416del; short protein forms D805fs.
Identifiers: ClinVar variation 2498359 (VCV002498359.2), dbSNP rs2510074983, ClinGen allele CA915940796.